The following is an entry in ClinVar:

ClinVar aggregate classification (germline): Uncertain significance. Review status: criteria provided, multiple submitters, no conflicts (2 of 4 stars). 2 submissions from 2 submitters: Uncertain significance (2). Last evaluated 2025-09-05.

Allele frequency attached by ClinVar (database versions not stated): TOPMed below 0.00001; ExAC 0.00001.
gnomAD v4.1: 5 of 1,611,220 alleles (0.00031%); highest among the groups gnomAD compares: Admixed American, 0.0017%; 1 homozygote.

Submissions (2):

Ambry Genetics
Classification: Uncertain significance. Last evaluated: 2025-09-05. Review status: criteria provided, single submitter. Criteria: Ambry Variant Classification Scheme 2023. Collection method: clinical testing. Allele origin: germline.

Labcorp Genetics (formerly Invitae), Labcorp
Classification: Uncertain significance. Last evaluated: 2023-02-10. Review status: criteria provided, single submitter. Criteria: Invitae Variant Classification Sherloc (09022015). Collection method: clinical testing. Allele origin: germline.
Comment: Algorithms developed to predict the effect of missense changes on protein structure and function are either unavailable or do not agree on the potential impact of this missense change (SIFT: "Deleterious"; PolyPhen-2: "Possibly Damaging"; Align-GVGD: "Class C0"). In summary, the available evidence is currently insufficient to determine the role of this variant in disease. Therefore, it has been classified as a Variant of Uncertain Significance. This variant has not been reported in the literature in individuals affected with SIX5-related conditions. This variant is not present in population databases (gnomAD no frequency). This sequence change replaces leucine, which is neutral and non-polar, with methionine, which is neutral and non-polar, at codon 657 of the SIX5 protein (p.Leu657Met).

NM_175875.5(SIX5):c.1969T>A (p.Leu657Met)

Gene: SIX5 (SIX homeobox 5; minus strand). Cytogenetic location: 19q13.32.
Variant type: single nucleotide variant.
Coding change: c.1969T>A on transcript NM_175875.5 (MANE Select); coding-DNA position 1969, T replaced by A.
Protein change: p.Leu657Met; replaces leucine 657 with methionine.
Molecular consequence: missense variant.
Genome position (GRCh38, 1-based): chr19:45,765,752, A>T on the plus strand (T>A on the coding strand, the complement: SIX5 is on the minus strand). VCF-style: chr19-45765752-A-T. GRCh37 (hg19) VCF-style: chr19-46269010-A-T.
Other names: c.1969T>A (NM_175875.4); short protein forms L657M.
Identifiers: ClinVar variation 1951145 (VCV001951145.6), dbSNP rs774760098, ClinGen allele CA9520455.